The following is an entry in ClinVar:

ClinVar aggregate classification (germline): Benign. Review status: criteria provided, multiple submitters, no conflicts (2 of 4 stars). 6 submissions from 6 submitters: Benign (4). 2 of the submissions do not count toward it. Last evaluated 2026-02-04.

Conditions:
Mitochondrial complex V (ATP synthase) deficiency, nuclear type 2. Also called: Nuclear-Encoded ATPase Deficiency, TMEM70-Related; ENCEPHALOCARDIOMYOPATHY, MITOCHONDRIAL, NEONATAL, DUE TO ATP SYNTHASE DEFICIENCY; MITOCHONDRIAL COMPLEX V (ATP SYNTHASE) DEFICIENCY, TMEM70 TYPE. Identifiers: Orphanet 1194, MedGen C3279699, MONDO:0013546, OMIM 614052.

Allele frequency attached by ClinVar (database versions not stated): gnomAD exomes 0.20693 and 0.16041; ESP Exome Variant Server 0.22372; gnomAD 0.23227 and 0.23525; TOPMed 0.25079; 1000 Genomes Project 0.25899; 1000 Genomes Project 30x 0.26499; ExAC 0.20121.
gnomAD v4.1: 269,695 of 1,603,764 alleles (17%); highest among the groups gnomAD compares: African/African-American, 37%; 27,114 homozygotes.

Submissions (6):

Labcorp Genetics (formerly Invitae), Labcorp
Classification: Benign for Mitochondrial complex V (ATP synthase) deficiency, nuclear type 2. Last evaluated: 2026-02-04. Review status: criteria provided, single submitter. Criteria: Invitae Variant Classification Sherloc (09022015). Collection method: clinical testing. Allele origin: germline.

Illumina Laboratory Services, Illumina
Classification: Benign for Mitochondrial complex V (ATP synthase) deficiency, nuclear type 2. Last evaluated: 2018-01-12. Review status: criteria provided, single submitter. Criteria: ICSL Variant Classification Criteria 13 December 2019. Collection method: clinical testing. Allele origin: germline.
Comment: This variant was observed in the ICSL laboratory as part of a predisposition screen in an ostensibly healthy population. It had not been previously curated by ICSL or reported in the Human Gene Mutation Database (HGMD: prior to June 1st, 2018), and was therefore a candidate for classification through an automated scoring system. Utilizing variant allele frequency, disease prevalence and penetrance estimates, and inheritance mode, an automated score was calculated to assess if this variant is too frequent to cause the disease. Based on the score and internal cut-off values, a variant classified as benign is not then subjected to further curation. The score for this variant resulted in a classification of benign for this disease.

GeneDx
Classification: Benign. Last evaluated: 2015-03-03. Review status: criteria provided, single submitter. Criteria: GeneDx Variant Classification Process June 2021. Collection method: clinical testing. Allele origin: germline. Affected: yes.

Breakthrough Genomics
Classification: Benign. Review status: criteria provided, single submitter. Criteria: ACMG Guidelines, 2015. Collection method: not provided. Allele origin: germline. Inheritance: Autosomal recessive inheritance. Affected: yes.

Mayo Clinic Laboratories, Mayo Clinic
Classification: Benign. Last evaluated: 2016-02-23. Review status: no assertion criteria provided. Collection method: clinical testing. Allele origin: unknown. Not counted in ClinVar's aggregate classification.

Genetic Services Laboratory, University of Chicago
Classification: Likely benign for AllHighlyPenetrant. Review status: no assertion criteria provided. Collection method: clinical testing. Allele origin: germline. Inheritance: Autosomal recessive inheritance. Not counted in ClinVar's aggregate classification.
Comment: Likely benign based on allele frequency in 1000 Genomes Project or ESP global frequency and its presence in a patient with a rare or unrelated disease phenotype. NOT Sanger confirmed.

NM_017866.6(TMEM70):c.748A>G (p.Thr250Ala)

Gene: TMEM70 (transmembrane protein 70; plus strand). Cytogenetic location: 8q21.11.
Variant type: single nucleotide variant.
Coding change: c.748A>G on transcript NM_017866.6 (MANE Select); coding-DNA position 748, A replaced by G.
Protein change: p.Thr250Ala; replaces threonine 250 with alanine.
Molecular consequence: missense variant. On other transcripts: 3 prime UTR variant (1), non-coding transcript variant (1).
Genome position (GRCh38, 1-based): chr8:73,981,586, A>G. VCF-style: chr8-73981586-A-G. GRCh37 (hg19) VCF-style: chr8-74893821-A-G.
Other names: c.*438A>G (NM_001040613.3); short protein forms T250A.
Identifiers: ClinVar variation 130600 (VCV000130600.26), dbSNP rs1053079, ClinGen allele CA155738.